The following is an entry in ClinVar:

ClinVar aggregate classification (germline): Uncertain significance (1 of 4 stars; one submission).

Conditions:
Inborn genetic diseases. Identifiers: MedGen C0950123, MeSH D030342.

Submission:

Ambry Genetics
Classification: Uncertain significance for Inborn genetic diseases. Last evaluated: 2026-04-03. Review status: criteria provided, single submitter. Criteria: Ambry Variant Classification Scheme 2023. Collection method: clinical testing. Allele origin: germline.
Comment: The c.1300-2A>C intronic alteration consists of a A to C substitution two nucleotides before coding exon 4 of the ZMYM2 gene. Variants that disrupt the canonical splice site are expected to result in aberrant splicing. The resulting transcript is predicted to be in-frame and is not expected to trigger nonsense-mediated mRNA decay, although direct evidence is unavailable. This variant was not reported in population-based cohorts in the Genome Aggregation Database (gnomAD). This nucleotide position is highly conserved in available vertebrate species. In silico splice site analysis predicts that this alteration will weaken the native splice acceptor site and may result in the creation or strengthening of a novel splice acceptor site. Based on insufficient or conflicting evidence, the clinical significance of this alteration remains unclear.

NM_197968.4(ZMYM2):c.1300-2A>C

Gene: ZMYM2 (zinc finger MYM-type containing 2; plus strand). Cytogenetic location: 13q12.11.
Variant type: single nucleotide variant.
Coding change: c.1300-2A>C on transcript NM_197968.4 (MANE Select); the canonical splice acceptor site of the intron before coding-DNA position 1300, A replaced by C.
Molecular consequence: splice acceptor variant.
Genome position (GRCh38, 1-based): chr13:20,006,372, A>C. VCF-style: chr13-20006372-A-C. GRCh37 (hg19) VCF-style: chr13-20580512-A-C.
Other names: c.1105-2A>C (NM_001353161.3); c.1300-2A>C (NM_001353162.3, NM_001353157.2, NM_001353164.2 and 5 more transcripts); c.1039-2A>C (NM_001353163.2).
Identifiers: ClinVar variation 4866907 (VCV004866907.1).
Genomic context (GRCh38, chr13:20,006,372, plus strand): 5'-TTATTATTTAGCTACTTGTCAGATTGATCTGTTTTGTAAGATTTTGTTTATTTTTCTTTT[A>C]GATTCGCCATGAAGTCAGCTTTAAAAATATGACTCATAAGCTGTGCAGTGACCACTGCTT-3'